The following is an entry in ClinVar:

ClinVar aggregate classification (germline): Likely benign (0 of 4 stars; one submission).

Conditions:
POLD3-related disorder. Also called: POLD3-related condition.

Allele frequency attached by ClinVar (database versions not stated): gnomAD 0.00001; ExAC 0.00002; TOPMed 0.00004; gnomAD exomes 0.00008.

Submission:

PreventionGenetics, part of Exact Sciences
Classification: Likely benign for POLD3-related condition. Last evaluated: 2019-02-22. Review status: no assertion criteria provided. Collection method: clinical testing. Allele origin: germline.
Comment: This variant is classified as likely benign based on ACMG/AMP sequence variant interpretation guidelines (Richards et al. 2015 PMID: 25741868, with internal and published modifications).

NM_006591.3(POLD3):c.159A>G (p.Ser53=)

Gene: POLD3 (DNA polymerase delta 3, accessory subunit; plus strand). Cytogenetic location: 11q13.4.
Variant type: single nucleotide variant.
Coding change: c.159A>G on transcript NM_006591.3 (MANE Select); coding-DNA position 159, A replaced by G.
Protein change: p.Ser53=; no amino-acid change (serine 53 retained).
Molecular consequence: synonymous variant. On other transcripts: non-coding transcript variant (1).
Genome position (GRCh38, 1-based): chr11:74,604,734, A>G. VCF-style: chr11-74604734-A-G. GRCh37 (hg19) VCF-style: chr11-74315779-A-G.
Other names: c.42A>G, p.Ser14= (NM_001363597.2).
Identifiers: ClinVar variation 3046883 (VCV003046883.2), dbSNP rs750591060, ClinGen allele CA6185091.